The following is an entry in ClinVar:

NM_001376.5(DYNC1H1):c.12115A>G (p.Thr4039Ala)

Gene: DYNC1H1 (dynein cytoplasmic 1 heavy chain 1; plus strand). Cytogenetic location: 14q32.31.
Variant type: single nucleotide variant.
Coding change: c.12115A>G on transcript NM_001376.5 (MANE Select); coding-DNA position 12115, A replaced by G.
Protein change: p.Thr4039Ala; replaces threonine 4039 with alanine.
Molecular consequence: missense variant.
Genome position (GRCh38, 1-based): chr14:102,042,025, A>G. VCF-style: chr14-102042025-A-G. GRCh37 (hg19) VCF-style: chr14-102508362-A-G.
Other names: short protein forms T4039A.
Identifiers: ClinVar variation 1381243 (VCV001381243.11), dbSNP rs774809334, ClinGen allele CA7353840.

ClinVar aggregate classification (germline): Uncertain significance. Review status: criteria provided, multiple submitters, no conflicts (2 of 4 stars). 3 submissions from 3 submitters: Uncertain significance (3). Last evaluated 2026-08-01.

Conditions:
Inborn genetic diseases. Identifiers: MedGen C0950123, MeSH D030342.
Charcot-Marie-Tooth disease axonal type 2O. Also called: CHARCOT-MARIE-TOOTH DISEASE, AXONAL, AUTOSOMAL DOMINANT, TYPE 2O; CHARCOT-MARIE-TOOTH NEUROPATHY, AXONAL, TYPE 2O; Charcot-Marie-Tooth disease, axonal, type 20; Charcot-Marie-Tooth Neuropathy Type 2O. Identifiers: Orphanet 284232, MedGen C3280220, MONDO:0013644, OMIM 614228.

Allele frequency attached by ClinVar (database versions not stated): gnomAD exomes below 0.00001; ExAC 0.00001; gnomAD 0.00001.
gnomAD v4.1: 6 of 1,613,356 alleles (0.00037%); highest among the groups gnomAD compares: Non-Finnish European, 0.00051%; no homozygotes.

Submissions (3):

CeGaT Center for Human Genetics Tuebingen
Classification: Uncertain significance. Last evaluated: 2026-08-01. Review status: criteria provided, single submitter. Criteria: CeGaT Center For Human Genetics Tuebingen Variant Classification Criteria Version 2. Collection method: clinical testing. Allele origin: germline. Affected: yes. Observed: 1 variant allele.
Comment: DYNC1H1: PM2

Labcorp Genetics (formerly Invitae), Labcorp
Classification: Uncertain significance for Charcot-Marie-Tooth disease axonal type 2O. Last evaluated: 2021-03-18. Review status: criteria provided, single submitter. Criteria: Invitae Variant Classification Sherloc (09022015). Collection method: clinical testing. Allele origin: germline.
Comment: In summary, the available evidence is currently insufficient to determine the role of this variant in disease. Therefore, it has been classified as a Variant of Uncertain Significance. Advanced modeling of protein sequence and biophysical properties (such as structural, functional, and spatial information, amino acid conservation, physicochemical variation, residue mobility, and thermodynamic stability) performed at Invitae indicates that this missense variant is not expected to disrupt DYNC1H1 protein function. This variant has not been reported in the literature in individuals with DYNC1H1-related conditions. This variant is present in population databases (rs774809334, ExAC 0.001%). This sequence change replaces threonine with alanine at codon 4039 of the DYNC1H1 protein (p.Thr4039Ala). The threonine residue is highly conserved and there is a small physicochemical difference between threonine and alanine.

Ambry Genetics
Classification: Uncertain significance for Inborn genetic diseases. Last evaluated: 2020-03-25. Review status: criteria provided, single submitter. Criteria: Ambry Variant Classification Scheme 2023. Collection method: clinical testing. Allele origin: germline.
Comment: The p.T4039A variant (also known as c.12115A>G), located in coding exon 66 of the DYNC1H1 gene, results from an A to G substitution at nucleotide position 12115. The threonine at codon 4039 is replaced by alanine, an amino acid with similar properties. This amino acid position is highly conserved in available vertebrate species. In addition, the in silico prediction for this alteration is inconclusive. Since supporting evidence is limited at this time, the clinical significance of this alteration remains unclear.